The following is an entry in ClinVar:

NC_000016.9:g.(?_89862294)_(89862446_?)dup

Gene: FANCA (FA complementation group A; minus strand). Cytogenetic location: 16q24.3.
Variant type: Duplication.
Identifiers: ClinVar variation 3243287 (VCV003243287.1).

ClinVar aggregate classification (germline): Likely pathogenic (1 of 4 stars; one submission).

Conditions:
Fanconi anemia (FA). Also called: Fanconi's anemia. Identifiers: Orphanet 84, MedGen C0015625, MeSH D005199, MONDO:0019391.

Submission:

Labcorp Genetics (formerly Invitae), Labcorp
Classification: Likely pathogenic for Fanconi anemia. Last evaluated: 2023-06-15. Review status: criteria provided, single submitter. Criteria: Invitae Variant Classification Sherloc (09022015). Collection method: clinical testing. Allele origin: unknown.
Comment: In summary, the currently available evidence indicates that the variant is pathogenic, but additional data are needed to prove that conclusively. Therefore, this variant has been classified as Likely Pathogenic. This variant has not been reported in the literature in individuals affected with FANCA-related conditions. This variant results in a copy number gain of the genomic region encompassing exon(s) 11 of the FANCA gene. While the exact position of this variant cannot be determined from the data, sub-genic copy number gains are generally in tandem (PMID: 25640679). This variant is predicted to be out-of-frame, and may result in an absent or disrupted protein product. Loss-of-function variants in FANCA are known to be pathogenic (PMID: 19367192).

Literature cited by the submitters: PubMed 25640679; PubMed 19367192.